The following is an entry in ClinVar:

NM_001905.4(CTPS1):c.434T>C (p.Ile145Thr)

Gene: CTPS1 (CTP synthase 1; plus strand). Cytogenetic location: 1p34.2.
Variant type: single nucleotide variant.
Coding change: c.434T>C on transcript NM_001905.4 (MANE Select); coding-DNA position 434, T replaced by C.
Protein change: p.Ile145Thr; replaces isoleucine 145 with threonine.
Molecular consequence: missense variant. On other transcripts: non-coding transcript variant (1).
Genome position (GRCh38, 1-based): chr1:40,987,468, T>C. VCF-style: chr1-40987468-T-C. GRCh37 (hg19) VCF-style: chr1-41453140-T-C.
Other names: short protein forms I145T.
Identifiers: ClinVar variation 2766989 (VCV002766989.3), dbSNP rs760367234, ClinGen allele CA795242.
Genomic context (GRCh38, chr1:40,987,468, plus strand): 5'-TGATGAGACAGGCGTTAATACCTGTAGATGAAGATGGCCTGGAACCTCAAGTGTGTGTTA[T>C]TGAGGTTTGTATGATTCCTGCACATGTGAACAAGTGTACTCATCTCCTTAGTCAGCCATC-3'
Protein context (NP_001896.2, residues 135-155): EDGLEPQVCV[Ile145Thr]ELGGTVGDIE

ClinVar aggregate classification (germline): Uncertain significance (1 of 4 stars; one submission).

Conditions:
Combined immunodeficiency due to CTPS1 deficiency. Also called: Severe combined immunodeficiency due to CTPS1 deficiency; Immunodeficiency 24. Identifiers: Orphanet 420573, MedGen C4014617, MONDO:0014391, OMIM 615897.

Allele frequency attached by ClinVar (database versions not stated): TOPMed 0.00001; ExAC 0.00001.
gnomAD v4.1: 2 of 1,607,506 alleles (0.00012%); highest among the groups gnomAD compares: Non-Finnish European, 0.00017%; no homozygotes.

Submission:

Labcorp Genetics (formerly Invitae), Labcorp
Classification: Uncertain significance for Combined immunodeficiency due to CTPS1 deficiency. Last evaluated: 2025-12-29. Review status: criteria provided, single submitter. Criteria: Invitae Variant Classification Sherloc (09022015). Collection method: clinical testing. Allele origin: germline.
Comment: This sequence change replaces isoleucine, which is neutral and non-polar, with threonine, which is neutral and polar, at codon 145 of the CTPS1 protein (p.Ile145Thr). The frequency data for this variant in the population databases is considered unreliable, as metrics indicate poor data quality at this position in the gnomAD database. This variant has not been reported in the literature in individuals affected with CTPS1-related conditions. ClinVar contains an entry for this variant (Variation ID: 2766989). An algorithm developed to predict the effect of missense changes on protein structure and function (PolyPhen-2) suggests that this variant is likely to be disruptive. In summary, the available evidence is currently insufficient to determine the role of this variant in disease. Therefore, it has been classified as a Variant of Uncertain Significance.